The following is an entry in ClinVar:

ClinVar aggregate classification (germline): Uncertain significance (1 of 4 stars; one submission).

Submission:

Labcorp Genetics (formerly Invitae), Labcorp
Classification: Uncertain significance. Last evaluated: 2026-01-26. Review status: criteria provided, single submitter. Criteria: Invitae Variant Classification Sherloc (09022015). Collection method: clinical testing. Allele origin: germline.
Comment: This variant, c.1563_1568del, results in the deletion of 2 amino acid(s) of the TRRAP protein (p.Ala522_Pro523del), but otherwise preserves the integrity of the reading frame. This variant is not present in population databases (gnomAD no frequency). This variant has not been reported in the literature in individuals affected with TRRAP-related conditions. Experimental studies and prediction algorithms are not available or were not evaluated, and the functional significance of this variant is currently unknown. In summary, the available evidence is currently insufficient to determine the role of this variant in disease. Therefore, it has been classified as a Variant of Uncertain Significance.

NM_001375524.1(TRRAP):c.1563_1568del (p.Ala522_Pro523del)

Gene: TRRAP (transformation/transcription domain associated protein; plus strand). Cytogenetic location: 7q22.1.
Variant type: Deletion.
Coding change: c.1563_1568del on transcript NM_001375524.1 (MANE Select); coding-DNA positions 1563 to 1568, 6 bases deleted (GGCCCC; older notation c.1563_1568delGGCCCC).
Protein change: p.Ala522_Pro523del.
Molecular consequence: inframe deletion.
Genome position (GRCh38, 1-based): chr7:98,910,268-98,910,273, GGCCCC deleted; deleting any 6 consecutive bases within chr7:98,910,264-98,910,273 gives the same sequence; the c. name uses the placement nearest the transcript's 3' end. VCF-style (leftmost placement, unchanged base first): chr7-98910263-ACCCCGG-A. GRCh37 (hg19) VCF-style: chr7-98507886-ACCCCGG-A.
Other names: c.1563_1568del, p.Ala522_Pro523del (NM_001244580.2, NM_003496.4).
Identifiers: ClinVar variation 4736190 (VCV004736190.1).